The following is an entry in ClinVar:

NM_000059.4(BRCA2):c.8534G>C (p.Arg2845Thr)

Gene: BRCA2 (BRCA2 DNA repair associated; plus strand). Cytogenetic location: 13q13.1.
Variant type: single nucleotide variant.
Coding change: c.8534G>C on transcript NM_000059.4 (MANE Select); coding-DNA position 8534, G replaced by C.
Protein change: p.Arg2845Thr; replaces arginine 2845 with threonine.
Molecular consequence: missense variant. On other transcripts: non-coding transcript variant (1).
Genome position (GRCh38, 1-based): chr13:32,371,002, G>C. VCF-style: chr13-32371002-G-C. GRCh37 (hg19) VCF-style: chr13-32945139-G-C.
Other names: c.8438G>C, p.Arg2813Thr (NM_001406719.1); c.8534G>C, p.Arg2845Thr (NM_001406720.1, NM_001432077.1); c.3602G>C, p.Arg1201Thr (NM_001406721.1); c.2117G>C, p.Arg706Thr (NM_001406722.1); short protein forms R1201T, R2813T, R2845T, R706T.
Identifiers: ClinVar variation 4802354 (VCV004802354.1).
Genomic context (GRCh38, chr13:32,371,002, plus strand): 5'-ACACATTATTACAGTGGATGGAGAAGACATCATCTGGATTATACATATTTCGCAATGAAA[G>C]AGAGGAAGAAAAGGAAGCAGCAAAATATGTGGAGGCCCAACAAAAGAGACTAGAAGCCTT-3'
Protein context (NP_000050.3, residues 2835-2855): SSGLYIFRNE[Arg2845Thr]EEEKEAAKYV

ClinVar aggregate classification (germline): Uncertain significance (1 of 4 stars; one submission).

Conditions:
Hereditary breast ovarian cancer syndrome. Also called: Hereditary breast and ovarian cancer syndrome (HBOC); Hereditary breast and ovarian cancer; Breast and ovarian cancer; Hereditary breast and/or ovarian cancer syndrome; BRCA1- and BRCA2-Associated Hereditary Breast and Ovarian Cancer; Hereditary breast and ovarian cancer syndrome. Identifiers: Orphanet 145, MedGen C0677776, MeSH D061325, MONDO:0003582. Disease mechanism: loss of function.

Submission:

Labcorp Genetics (formerly Invitae), Labcorp
Classification: Uncertain significance for Hereditary breast ovarian cancer syndrome. Last evaluated: 2025-04-23. Review status: criteria provided, single submitter. Criteria: Invitae Variant Classification Sherloc (09022015). Collection method: clinical testing. Allele origin: germline.
Comment: This sequence change replaces arginine, which is basic and polar, with threonine, which is neutral and polar, at codon 2845 of the BRCA2 protein (p.Arg2845Thr). This variant is not present in population databases (gnomAD no frequency). This variant has not been reported in the literature in individuals affected with BRCA2-related conditions. Invitae Evidence Modeling of protein sequence and biophysical properties (such as structural, functional, and spatial information, amino acid conservation, physicochemical variation, residue mobility, and thermodynamic stability) indicates that this missense variant is not expected to disrupt BRCA2 protein function with a negative predictive value of 95%. In summary, the available evidence is currently insufficient to determine the role of this variant in disease. Therefore, it has been classified as a Variant of Uncertain Significance.